The following is an entry in ClinVar:

NM_000702.4(ATP1A2):c.2335A>C (p.Ser779Arg)

Gene: ATP1A2 (ATPase Na+/K+ transporting subunit alpha 2; plus strand). Cytogenetic location: 1q23.2.
Variant type: single nucleotide variant.
Coding change: c.2335A>C on transcript NM_000702.4 (MANE Select); coding-DNA position 2335, A replaced by C.
Protein change: p.Ser779Arg; replaces serine 779 with arginine.
Molecular consequence: missense variant.
Genome position (GRCh38, 1-based): chr1:160,135,889, A>C. VCF-style: chr1-160135889-A-C. GRCh37 (hg19) VCF-style: chr1-160105679-A-C.
Other names: short protein forms S779R.
Identifiers: ClinVar variation 2971413 (VCV002971413.3), dbSNP rs2524888435, ClinGen allele CA343250246.

ClinVar aggregate classification (germline): Uncertain significance (1 of 4 stars; one submission).

Conditions:
Familial hemiplegic migraine. Identifiers: MedGen C0338484, MONDO:0000700.

Submission:

Labcorp Genetics (formerly Invitae), Labcorp
Classification: Uncertain significance for Familial hemiplegic migraine. Last evaluated: 2023-03-18. Review status: criteria provided, single submitter. Criteria: Invitae Variant Classification Sherloc (09022015). Collection method: clinical testing. Allele origin: germline.
Comment: This sequence change replaces serine, which is neutral and polar, with arginine, which is basic and polar, at codon 779 of the ATP1A2 protein (p.Ser779Arg). This variant is not present in population databases (gnomAD no frequency). This missense change has been observed in individual(s) with dystonia (PMID: 31737037). Advanced modeling of protein sequence and biophysical properties (such as structural, functional, and spatial information, amino acid conservation, physicochemical variation, residue mobility, and thermodynamic stability) performed at Invitae indicates that this missense variant is expected to disrupt ATP1A2 protein function. In summary, the available evidence is currently insufficient to determine the role of this variant in disease. Therefore, it has been classified as a Variant of Uncertain Significance.

Literature cited by the submitters: PubMed 31737037.